The following is an entry in ClinVar:

NM_024306.5(FA2H):c.51GCG[1] (p.Arg19del)

Genes: FA2H (fatty acid 2-hydroxylase; minus strand), LOC130059394 (ATAC-STARR-seq lymphoblastoid silent region 7701; plus strand). Cytogenetic location: 16q23.1.
Variant type: Microsatellite.
Coding change: c.51GCG[1] on transcript NM_024306.5 (MANE Select); one copy of the 3-base unit GCG starting at c.51; the reference has two copies in a row; one copy, 3 bases deleted; also written c.54_56del.
Protein change: p.Arg19del; deletes arginine 19.
Molecular consequence: inframe deletion.
Genome position (GRCh38, 1-based): chr16:74,774,700-74,774,702, CGC deleted on the plus strand (GCG on the coding strand, the reverse complement: FA2H is on the minus strand); deleting any 3 consecutive bases within chr16:74,774,700-74,774,705 gives the same sequence; the position shown is the placement nearest the transcript's 3' end. VCF-style (leftmost placement, unchanged base first): chr16-74774699-GCGC-G. GRCh37 (hg19) VCF-style: chr16-74808597-GCGC-G.
Other names: p.Arg19del; c.54_56del (NM_024306.5); short protein forms R19del.
Identifiers: ClinVar variation 4542044 (VCV004542044.1).

ClinVar aggregate classification (germline): Uncertain significance (1 of 4 stars; one submission).

Submission:

Mayo Clinic Laboratories, Mayo Clinic
Classification: Uncertain significance. Last evaluated: 2025-11-13. Review status: criteria provided, single submitter. Criteria: ACMG Guidelines, 2015. Collection method: clinical testing. Allele origin: germline. Observed: 1 variant allele.
Comment: PM2_supporting, PM4